The following is an entry in ClinVar:

NM_000397.4(CYBB):c.1678G>T (p.Gly560Ter)

Gene: CYBB (cytochrome b-245 beta chain; plus strand). Cytogenetic location: Xp11.4.
Variant type: single nucleotide variant.
Coding change: c.1678G>T on transcript NM_000397.4 (MANE Select); coding-DNA position 1678, G replaced by T.
Protein change: p.Gly560Ter; replaces glycine 560 with a stop codon.
Molecular consequence: nonsense.
Genome position (GRCh38, 1-based): chrX:37,810,882, G>T. VCF-style: chrX-37810882-G-T. GRCh37 (hg19) VCF-style: chrX-37670135-G-T.
Other names: short protein forms G560*.
Identifiers: ClinVar variation 4885737 (VCV004885737.2).

ClinVar aggregate classification (germline): Likely pathogenic (1 of 4 stars; one submission).

Submission:

Dasa
Classification: Likely pathogenic. Last evaluated: 2025-10-22. Review status: criteria provided, single submitter. Criteria: DASA Assertion Criteria. Collection method: clinical testing. Allele origin: germline.
Comment: NM_000397.4(CYBB):c.1678G>T (p.Gly560*) is a nonsense variant in CYBB predicted to introduce a premature termination codon and is predicted to result in an absent or altered protein product. Loss of function is an established disease mechanism for CYBB. This variant has been reported as a de novo occurrence in an affected individual (PMID: 24596025). This variant has been reported in individuals with CYBB-related disorders (PMID: 24596025). Also, this variant is absent from population databases. Based on the currently available evidence, this variant is classified as likely pathogenic.

Literature cited by the submitters: PubMed 24596025.